The following is an entry in ClinVar:

NM_000030.3(AGXT):c.569G>T (p.Gly190Val)

Gene: AGXT (alanine--glyoxylate aminotransferase; plus strand). Cytogenetic location: 2q37.3.
Variant type: single nucleotide variant.
Coding change: c.569G>T on transcript NM_000030.3 (MANE Select); coding-DNA position 569, G replaced by T.
Protein change: p.Gly190Val; replaces glycine 190 with valine.
Molecular consequence: missense variant.
Genome position (GRCh38, 1-based): chr2:240,873,023, G>T. VCF-style: chr2-240873023-G-T. GRCh37 (hg19) VCF-style: chr2-241812440-G-T.
Other names: short protein forms G190V.
Identifiers: ClinVar variation 1515099 (VCV001515099.8), dbSNP rs2106429472, ClinGen allele CA351316581.

ClinVar aggregate classification (germline): Likely pathogenic (1 of 4 stars; one submission).

Submission:

Labcorp Genetics (formerly Invitae), Labcorp
Classification: Likely pathogenic. Last evaluated: 2020-12-14. Review status: criteria provided, single submitter. Criteria: Invitae Variant Classification Sherloc (09022015). Collection method: clinical testing. Allele origin: germline.
Comment: In summary, the currently available evidence indicates that the variant is pathogenic, but additional data are needed to prove that conclusively. Therefore, this variant has been classified as Likely Pathogenic. This variant disrupts the p.Gly190 amino acid residue in AGXT. Other variant(s) that disrupt this residue have been determined to be pathogenic (PMID: 9604803, 15849466, 15961946, 27935012, 27568336). This suggests that this residue is clinically significant, and that variants that disrupt this residue are likely to be disease-causing. Advanced modeling of protein sequence and biophysical properties (such as structural, functional, and spatial information, amino acid conservation, physicochemical variation, residue mobility, and thermodynamic stability) performed at Invitae indicates that this missense variant is expected to disrupt AGXT protein function. This variant has not been reported in the literature in individuals with AGXT-related conditions. This variant is not present in population databases (ExAC no frequency). This sequence change replaces glycine with valine at codon 190 of the AGXT protein (p.Gly190Val). The glycine residue is moderately conserved and there is a moderate physicochemical difference between glycine and valine.

Literature cited by the submitters: PubMed 9604803; PubMed 15849466; PubMed 15961946; PubMed 27935012; PubMed 27568336.